The following is an entry in ClinVar:

NM_001267550.2(TTN):c.101576T>G (p.Leu33859Trp)

Genes: TTN (titin; minus strand), TTN-AS1 (TTN antisense RNA 1; plus strand). Cytogenetic location: 2q31.2.
Variant type: single nucleotide variant.
Coding change: c.101576T>G on transcript NM_001267550.2 (MANE Select); coding-DNA position 101576, T replaced by G.
Protein change: p.Leu33859Trp; replaces leucine 33859 with tryptophan.
Molecular consequence: missense variant.
Genome position (GRCh38, 1-based): chr2:178,535,039, A>C on the plus strand (T>G on the coding strand, the complement: TTN is on the minus strand). VCF-style: chr2-178535039-A-C. GRCh37 (hg19) VCF-style: chr2-179399766-A-C.
Other names: c.96653T>G, p.Leu32218Trp (NM_001256850.1); c.74381T>G, p.Leu24794Trp (NM_003319.4); c.93872T>G, p.Leu31291Trp (NM_133378.4); c.74756T>G, p.Leu24919Trp (NM_133432.3); c.74957T>G, p.Leu24986Trp (NM_133437.4); short protein forms L24919W, L32218W, L24794W, L24986W, L31291W, L33859W.
Identifiers: ClinVar variation 2089380 (VCV002089380.4), dbSNP rs2468559477, ClinGen allele CA349420371.

ClinVar aggregate classification (germline): Uncertain significance (1 of 4 stars; one submission).

Conditions:
Autosomal recessive limb-girdle muscular dystrophy type 2J (LGMDR10). Also called: Limb-girdle muscular dystrophy, type 2J; MUSCULAR DYSTROPHY, LIMB-GIRDLE, AUTOSOMAL RECESSIVE 10. Identifiers: Orphanet 140922, MedGen C1837342, MONDO:0012127, OMIM 608807.
Dilated cardiomyopathy 1G (CMD1G). Identifiers: Orphanet 154, MedGen C1858763, MONDO:0011400, OMIM 604145.

Submission:

Labcorp Genetics (formerly Invitae), Labcorp
Classification: Uncertain significance for Dilated cardiomyopathy 1G; Autosomal recessive limb-girdle muscular dystrophy type 2J. Last evaluated: 2022-10-05. Review status: criteria provided, single submitter. Criteria: Invitae Variant Classification Sherloc (09022015). Collection method: clinical testing. Allele origin: germline.
Comment: This variant is not present in population databases (gnomAD no frequency). This variant has not been reported in the literature in individuals affected with TTN-related conditions. Experimental studies and prediction algorithms are not available or were not evaluated, and the functional significance of this variant is currently unknown. Algorithms developed to predict the effect of sequence changes on RNA splicing suggest that this variant may create or strengthen a splice site. This variant is located in the M band of TTN (PMID: 25589632). Variants in this region may be relevant for neuromuscular disorders, but have not been definitively shown to cause cardiomyopathy (PMID: 23975875). In summary, the available evidence is currently insufficient to determine the role of this variant in disease. Therefore, it has been classified as a Variant of Uncertain Significance. This sequence change replaces leucine, which is neutral and non-polar, with tryptophan, which is neutral and slightly polar, at codon 33859 of the TTN protein (p.Leu33859Trp).

Literature cited by the submitters: PubMed 25589632; PubMed 23975875.